The following is an entry in ClinVar:

NC_000017.10:g.(?_41226328)_(41277500_?)dup

Gene: BRCA1 (BRCA1 DNA repair associated; minus strand). Cytogenetic location: 17q21.31.
Variant type: Duplication.
Identifiers: ClinVar variation 1411671 (VCV001411671.7).

ClinVar aggregate classification (germline): Uncertain significance (1 of 4 stars; one submission).

Conditions:
Hereditary breast ovarian cancer syndrome. Also called: Hereditary breast and ovarian cancer syndrome (HBOC); Breast and ovarian cancer; Hereditary breast and ovarian cancer syndrome; Hereditary breast and/or ovarian cancer syndrome; Hereditary breast and ovarian cancer; BRCA1- and BRCA2-Associated Hereditary Breast and Ovarian Cancer. Identifiers: Orphanet 145, MedGen C0677776, MeSH D061325, MONDO:0003582. Disease mechanism: loss of function.

Submission:

Labcorp Genetics (formerly Invitae), Labcorp
Classification: Uncertain significance for Hereditary breast ovarian cancer syndrome. Last evaluated: 2022-09-18. Review status: criteria provided, single submitter. Criteria: Invitae Variant Classification Sherloc (09022015). Collection method: clinical testing. Allele origin: germline.
Comment: This variant results in a copy number gain of the genomic region encompassing exon(s) 1-14 of the BRCA1 gene. This region includes the initiator codon of the gene. This copy number gain extends beyond the assayed region for this gene and therefore may encompass additional genes. As the precise location of this event is unknown, it may be in tandem or it may be located elsewhere in the genome. This variant has not been reported in the literature in individuals affected with BRCA1-related conditions. Experimental studies and prediction algorithms are not available or were not evaluated, and the functional significance of this variant is currently unknown. In summary, the available evidence is currently insufficient to determine the role of this variant in disease. Therefore, it has been classified as a Variant of Uncertain Significance.